The following is an entry in ClinVar:

ClinVar aggregate classification (germline): Uncertain significance. Review status: criteria provided, multiple submitters, no conflicts (2 of 4 stars). 2 submissions from 2 submitters: Uncertain significance (2). Last evaluated 2025-02-05.

Allele frequency attached by ClinVar (database versions not stated): ExAC 0.00001; gnomAD exomes 0.00001 and 0.00003.
gnomAD v4.1: 7 of 1,573,576 alleles (0.00044%); highest among the groups gnomAD compares: Admixed American, 0.012%; no homozygotes.

Submissions (2):

Ambry Genetics
Classification: Uncertain significance. Last evaluated: 2025-02-05. Review status: criteria provided, single submitter. Criteria: Ambry Variant Classification Scheme 2023. Collection method: clinical testing. Allele origin: germline.
Comment: The p.Y209N variant (also known as c.625T>A), located in coding exon 4 of the GEN1 gene, results from a T to A substitution at nucleotide position 625. The tyrosine at codon 209 is replaced by asparagine, an amino acid with dissimilar properties. This amino acid position is conserved. In addition, this alteration is predicted to be deleterious by in silico analysis. Based on the available evidence, the clinical significance of this variant remains unclear.

Labcorp Genetics (formerly Invitae), Labcorp
Classification: Uncertain significance. Last evaluated: 2022-10-20. Review status: criteria provided, single submitter. Criteria: Invitae Variant Classification Sherloc (09022015). Collection method: clinical testing. Allele origin: germline.
Comment: ClinVar contains an entry for this variant (Variation ID: 1437185). This sequence change replaces tyrosine, which is neutral and polar, with asparagine, which is neutral and polar, at codon 209 of the GEN1 protein (p.Tyr209Asn). This variant is present in population databases (rs769373840, gnomAD 0.02%). This variant has not been reported in the literature in individuals affected with GEN1-related conditions. Algorithms developed to predict the effect of missense changes on protein structure and function (SIFT, PolyPhen-2, Align-GVGD) all suggest that this variant is likely to be disruptive. In summary, the available evidence is currently insufficient to determine the role of this variant in disease. Therefore, it has been classified as a Variant of Uncertain Significance.

NM_001130009.3(GEN1):c.625T>A (p.Tyr209Asn)

Gene: GEN1 (GEN1 structure-specific endonuclease; plus strand). Cytogenetic location: 2p24.2.
Variant type: single nucleotide variant.
Coding change: c.625T>A on transcript NM_001130009.3 (MANE Select); coding-DNA position 625, T replaced by A.
Protein change: p.Tyr209Asn; replaces tyrosine 209 with asparagine.
Molecular consequence: missense variant.
Genome position (GRCh38, 1-based): chr2:17,766,678, T>A. VCF-style: chr2-17766678-T-A. GRCh37 (hg19) VCF-style: chr2-17947945-T-A.
Other names: c.625T>A, p.Tyr209Asn (NM_182625.5); c.625T>A (NM_001130009.1); short protein forms Y209N.
Identifiers: ClinVar variation 1437185 (VCV001437185.9), dbSNP rs769373840, ClinGen allele CA1540485.
Genomic context (GRCh38, chr2:17,766,678, plus strand): 5'-AGTAAACTAGGTTTGGATAGAGATGCTCTGGTTGGATTAGCAATACTTCTTGGCTGTGAT[T>A]ATCTCCCAAAGGTAAGCTGAAATTGTCATATTTATTTGCTATTCATAAAGTCTTTTTCGT-3'
Protein context (NP_001123481.3, residues 199-219): VGLAILLGCD[Tyr209Asn]LPKGVPGVGK